The following is an entry in ClinVar:

ClinVar aggregate classification (germline): Uncertain significance. Review status: criteria provided, multiple submitters, no conflicts (2 of 4 stars). 2 submissions from 2 submitters: Uncertain significance (2). Last evaluated 2021-03-30.

gnomAD v4.1: 1 of 1,607,144 alleles (0.000062%); no homozygotes.

Submissions (2):

Revvity Omics, Revvity
Classification: Uncertain significance. Last evaluated: 2021-03-30. Review status: criteria provided, single submitter. Criteria: ACMG Guidelines, 2015. Collection method: clinical testing. Allele origin: germline.

GeneDx
Classification: Uncertain significance. Last evaluated: 2017-07-21. Review status: criteria provided, single submitter. Criteria: GeneDx Variant Classification (06012015). Collection method: clinical testing. Allele origin: germline. Affected: yes.
Comment: The Q1007E variant has not been published as a pathogenic variant, nor has it been reported as a benign variant to our knowledge. The Q1007E variant is not observed in large population cohorts (Lek et al., 2016; 1000 Genomes Consortium et al., 2015; Exome Variant Server). This variant is a semi-conservative amino acid substitution, which may impact secondary protein structure as these residues differ in some properties. This substitution occurs at a position that is conserved in mammals; however, missense variants in nearby residues have not been reported in the Human Gene Mutation Database in association with COL6A2-related disorders (Stenson et al., 2014). In silico analysis is inconsistent in its predictions as to whether or not the variant is damaging to the protein structure/function.

NM_001849.4(COL6A2):c.3019C>G (p.Gln1007Glu)

Gene: COL6A2 (collagen type VI alpha 2 chain; plus strand). Cytogenetic location: 21q22.3.
Variant type: single nucleotide variant.
Coding change: c.3019C>G on transcript NM_001849.4 (MANE Select); coding-DNA position 3019, C replaced by G.
Protein change: p.Gln1007Glu; replaces glutamine 1007 with glutamic acid.
Molecular consequence: missense variant.
Genome position (GRCh38, 1-based): chr21:46,132,511, C>G. VCF-style: chr21-46132511-C-G. GRCh37 (hg19) VCF-style: chr21-47552425-C-G.
Other names: short protein forms Q1007E.
Identifiers: ClinVar variation 450765 (VCV000450765.5), dbSNP rs1555877377, ClinGen allele CA410550682.
Genomic context (GRCh38, chr21:46,132,511, plus strand): 5'-ACGCTCAGCCTGGGTGACCGCGCCGCCGTGTTCCACGAGAAGGACTATGACAGCCTGGCG[C>G]AACCCGGCTTCTTCGACCGCTTCATCCGCTGGATCTGCTAGCGCCGCCGCCCGGGCCCCG-3'
Protein context (NP_001840.3, residues 997-1017): FHEKDYDSLA[Gln1007Glu]PGFFDRFIRW